The following is an entry in ClinVar:

NM_005257.6(GATA6):c.1378G>A (p.Glu460Lys)

Gene: GATA6 (GATA binding protein 6; plus strand). Cytogenetic location: 18q11.2.
Variant type: single nucleotide variant.
Coding change: c.1378G>A on transcript NM_005257.6 (MANE Select); coding-DNA position 1378, G replaced by A.
Protein change: p.Glu460Lys; replaces glutamic acid 460 with lysine.
Molecular consequence: missense variant.
Genome position (GRCh38, 1-based): chr18:22,181,528, G>A. VCF-style: chr18-22181528-G-A. GRCh37 (hg19) VCF-style: chr18-19761489-G-A.
Other names: short protein forms E460K.
Identifiers: ClinVar variation 2636358 (VCV002636358.1), dbSNP rs1459871632, ClinGen allele CA401802425.
Genomic context (GRCh38, chr18:22,181,528, plus strand): 5'-CTTGGATTGTCCTGTGCCAACTGTCACACCACAACTACCACCTTATGGCGCAGAAACGCC[G>A]AGGGTGAACCCGTGTGCAATGCTTGTGGACTCTACATGAAACTCCATGGGGTATGCCATG-3'
Protein context (NP_005248.2, residues 450-470): TTTTLWRRNA[Glu460Lys]GEPVCNACGL

ClinVar aggregate classification (germline): Uncertain significance (1 of 4 stars; one submission).

Conditions:
GATA6-related disorder. Also called: GATA6-related condition.

Allele frequency attached by ClinVar (database versions not stated): gnomAD exomes below 0.00001; gnomAD 0.00001; TOPMed 0.00001.
gnomAD v4.1: 4 of 1,614,052 alleles (0.00025%); highest among the groups gnomAD compares: African/African-American, 0.0013%; no homozygotes.

Submission:

PreventionGenetics, part of Exact Sciences
Classification: Uncertain significance for GATA6-related condition. Last evaluated: 2022-09-02. Review status: criteria provided, single submitter. Criteria: ACMG Guidelines, 2015. Collection method: clinical testing. Allele origin: germline.
Comment: The GATA6 c.1378G>A variant is predicted to result in the amino acid substitution p.Glu460Lys. To our knowledge, this variant has not been reported in the literature or in a large population database, indicating this variant is rare. At this time, the clinical significance of this variant is uncertain due to the absence of conclusive functional and genetic evidence.